The following is an entry in ClinVar:

ClinVar aggregate classification (germline): Uncertain significance (1 of 4 stars; one submission).

Allele frequency attached by ClinVar (database versions not stated): gnomAD exomes below 0.00001.

Submission:

Labcorp Genetics (formerly Invitae), Labcorp
Classification: Uncertain significance. Last evaluated: 2024-10-22. Review status: criteria provided, single submitter. Criteria: Invitae Variant Classification Sherloc (09022015). Collection method: clinical testing. Allele origin: germline.
Comment: This sequence change replaces glycine, which is neutral and non-polar, with arginine, which is basic and polar, at codon 6 of the IL21 protein (p.Gly6Arg). This variant is not present in population databases (gnomAD no frequency). This variant has not been reported in the literature in individuals affected with IL21-related conditions. An algorithm developed to predict the effect of missense changes on protein structure and function (PolyPhen-2) suggests that this variant is likely to be disruptive. In summary, the available evidence is currently insufficient to determine the role of this variant in disease. Therefore, it has been classified as a Variant of Uncertain Significance.

NM_021803.4(IL21):c.16G>C (p.Gly6Arg)

Genes: IL21 (interleukin 21; minus strand), IL21-AS1 (IL21 antisense RNA 1; plus strand), LOC126807147 (CDK7 strongly-dependent group 2 enhancer GRCh37_chr4:123541308-123542507; plus strand). Cytogenetic location: 4q27.
Variant type: single nucleotide variant.
Coding change: c.16G>C on transcript NM_021803.4 (MANE Select); coding-DNA position 16, G replaced by C.
Protein change: p.Gly6Arg; replaces glycine 6 with arginine.
Molecular consequence: missense variant. On other transcripts: non-coding transcript variant (1).
Genome position (GRCh38, 1-based): chr4:122,620,996, C>G on the plus strand (G>C on the coding strand, the complement: IL21 is on the minus strand). VCF-style: chr4-122620996-C-G. GRCh37 (hg19) VCF-style: chr4-123542151-C-G.
Other names: c.16G>C, p.Gly6Arg (NM_001207006.3); short protein forms G6R.
Identifiers: ClinVar variation 2820716 (VCV002820716.3), dbSNP rs2484922447, ClinGen allele CA358221934.